The following is an entry in ClinVar:

NM_201384.3(PLEC):c.3726G>T (p.Gln1242His)

Gene: PLEC (plectin; minus strand). Cytogenetic location: 8q24.3.
Variant type: single nucleotide variant.
Coding change: c.3726G>T on transcript NM_201384.3 (MANE Select); coding-DNA position 3726, G replaced by T.
Protein change: p.Gln1242His; replaces glutamine 1242 with histidine.
Molecular consequence: missense variant.
Genome position (GRCh38, 1-based): chr8:143,927,440, C>A on the plus strand (G>T on the coding strand, the complement: PLEC is on the minus strand). VCF-style: chr8-143927440-C-A. GRCh37 (hg19) VCF-style: chr8-145001608-C-A.
Other names: c.3807G>T, p.Gln1269His (NM_000445.5); c.3684G>T, p.Gln1228His (NM_201378.4); c.3660G>T, p.Gln1220His (NM_201379.3); c.4137G>T, p.Gln1379His (NM_201380.4); c.3630G>T, p.Gln1210His (NM_201381.3); c.3726G>T, p.Gln1242His (NM_201382.4); c.3738G>T, p.Gln1246His (NM_201383.3); short protein forms Q1220H, Q1228H, Q1242H, Q1379H, Q1210H, Q1246H, Q1269H.
Identifiers: ClinVar variation 1388335 (VCV001388335.6), dbSNP rs2131600110, ClinGen allele CA372564915.
Genomic context (GRCh38, chr8:143,927,440, plus strand): 5'-GCCGCCCCGTCCCCACCGACCCAAGCCCACCTGCTCCTGCCGCAGCTGCTCCCGCACAGC[C>A]TGGCTGTCGGCCAGCGGCATGGCCTGGATCTGCTCCTGCCGCCGCCTGGCGTCCTGCAGC-3'
Protein context (NP_958786.1, residues 1232-1252): QIQAMPLADS[Gln1242His]AVREQLRQEQ

ClinVar aggregate classification (germline): Uncertain significance (1 of 4 stars; one submission).

Conditions:
Epidermolysis bullosa simplex 5B, with muscular dystrophy (EBS5B). Also called: Epidermolysis bullosa simplex with muscular dystrophy; EPIDERMOLYSIS BULLOSA SIMPLEX AND LIMB-GIRDLE MUSCULAR DYSTROPHY. Identifiers: Orphanet 257, MedGen C2931072, MONDO:0009181, OMIM 226670.
Epidermolysis bullosa simplex 5C, with pyloric atresia (EBS5C). Also called: PLEC1-Related Epidermolysis Bullosa with Pyloric Atresia; PLEC-Related Epidermolysis Bullosa with Pyloric Atresia; Epidermolysis bullosa simplex with pyloric atresia. Identifiers: Orphanet 158684, MedGen C2677349, MONDO:0012807, OMIM 612138.
Autosomal recessive limb-girdle muscular dystrophy type 2Q (LGMDR17). Also called: MUSCULAR DYSTROPHY, LIMB-GIRDLE, AUTOSOMAL RECESSIVE 17. Identifiers: Orphanet 254361, MedGen C3150989, MONDO:0013390, OMIM 613723.
Epidermolysis bullosa simplex, Ogna type (EBS5A). Also called: Pidermolysis bullosa simplex 5A, Ogna type; EPIDERMOLYSIS BULLOSA SIMPLEX 5A, OGNA TYPE. Identifiers: Orphanet 79401, MedGen C0432317, MONDO:0007555, OMIM 131950.
Epidermolysis bullosa simplex with nail dystrophy (EBS5D). Identifiers: MedGen C4225309, MONDO:0014661, OMIM 616487.

Submission:

Labcorp Genetics (formerly Invitae), Labcorp
Classification: Uncertain significance for Autosomal recessive limb-girdle muscular dystrophy type 2Q; Epidermolysis bullosa simplex, Ogna type; Epidermolysis bullosa simplex with nail dystrophy; Epidermolysis bullosa simplex 5C, with pyloric atresia; Epidermolysis bullosa simplex 5B, with muscular dystrophy. Last evaluated: 2021-10-21. Review status: criteria provided, single submitter. Criteria: Invitae Variant Classification Sherloc (09022015). Collection method: clinical testing. Allele origin: germline.
Comment: In summary, the available evidence is currently insufficient to determine the role of this variant in disease. Therefore, it has been classified as a Variant of Uncertain Significance. Algorithms developed to predict the effect of missense changes on protein structure and function are either unavailable or do not agree on the potential impact of this missense change (SIFT: "Deleterious"; PolyPhen-2: "Not Available"; Align-GVGD: "Class C0"). This variant has not been reported in the literature in individuals affected with PLEC-related conditions. This variant is not present in population databases (gnomAD no frequency). This sequence change replaces glutamine, which is neutral and polar, with histidine, which is basic and polar, at codon 1269 of the PLEC protein (p.Gln1269His).